The following is an entry in ClinVar:

NM_000890.5(KCNJ5):c.844C>A (p.Gln282Lys)

Gene: KCNJ5 (potassium inwardly rectifying channel subfamily J member 5; plus strand). Cytogenetic location: 11q24.3.
Variant type: single nucleotide variant.
Coding change: c.844C>A on transcript NM_000890.5 (MANE Select); coding-DNA position 844, C replaced by A.
Protein change: p.Gln282Lys; replaces glutamine 282 with lysine.
Molecular consequence: missense variant.
Genome position (GRCh38, 1-based): chr11:128,912,117, C>A. VCF-style: chr11-128912117-C-A. GRCh37 (hg19) VCF-style: chr11-128782012-C-A.
Other names: c.844C>A, p.Gln282Lys (NM_001354169.2); short protein forms Q282K.
Identifiers: ClinVar variation 1763423 (VCV001763423.5), dbSNP rs7102584, ClinGen allele CA230640590.
Genomic context (GRCh38, chr11:128,912,117, plus strand): 5'-GACACGGGCGACGACCGCCTCTTCCTTGTGTCTCCTCTGATCATCTCCCATGAGATCAAC[C>A]AGAAGAGCCCTTTCTGGGAGATGTCTCAGGCTCAGCTGCATCAGGAAGAGTTTGAAGTTG-3'
Protein context (NP_000881.3, residues 272-292): SPLIISHEIN[Gln282Lys]KSPFWEMSQA

ClinVar aggregate classification (germline): Conflicting classifications of pathogenicity. Review status: criteria provided, conflicting classifications (1 of 4 stars). 2 submissions from 2 submitters: Uncertain significance (1); Benign (1). Last evaluated 2025-07-07.

Conditions:
Cardiovascular phenotype. Identifiers: MedGen CN230736.
Long QT syndrome (LQTS). Identifiers: MedGen C0023976, MeSH D008133, MONDO:0002442. Disease mechanism: loss of function. Inheritance: Various modes of inheritance.

Submissions (2):

Ambry Genetics
Classification: Benign for Cardiovascular phenotype. Last evaluated: 2025-07-07. Review status: criteria provided, single submitter. Criteria: Ambry Variant Classification Scheme 2023. Collection method: clinical testing. Allele origin: germline.

Labcorp Genetics (formerly Invitae), Labcorp
Classification: Uncertain significance for Long QT syndrome. Last evaluated: 2024-06-04. Review status: criteria provided, single submitter. Criteria: Invitae Variant Classification Sherloc (09022015). Collection method: clinical testing. Allele origin: germline.
Comment: This sequence change replaces glutamine, which is neutral and polar, with lysine, which is basic and polar, at codon 282 of the KCNJ5 protein (p.Gln282Lys). This variant is present in population databases (no rsID available, gnomAD 0.006%). This variant has not been reported in the literature in individuals affected with KCNJ5-related conditions. ClinVar contains an entry for this variant (Variation ID: 1763423). Advanced modeling of protein sequence and biophysical properties (such as structural, functional, and spatial information, amino acid conservation, physicochemical variation, residue mobility, and thermodynamic stability) performed at Invitae indicates that this missense variant is not expected to disrupt KCNJ5 protein function with a negative predictive value of 80%. In summary, the available evidence is currently insufficient to determine the role of this variant in disease. Therefore, it has been classified as a Variant of Uncertain Significance.